The following is an entry in ClinVar:

ClinVar aggregate classification (germline): Uncertain significance (1 of 4 stars; one submission).

Conditions:
Autosomal dominant epilepsy with auditory features. Identifiers: Orphanet 101046, MedGen C1838062, MONDO:0010898.

Submission:

Labcorp Genetics (formerly Invitae), Labcorp
Classification: Uncertain significance for Autosomal dominant epilepsy with auditory features. Last evaluated: 2025-05-17. Review status: criteria provided, single submitter. Criteria: Invitae Variant Classification Sherloc (09022015). Collection method: clinical testing. Allele origin: germline.
Comment: This sequence change replaces lysine, which is basic and polar, with arginine, which is basic and polar, at codon 35 of the LGI1 protein (p.Lys35Arg). This variant is not present in population databases (gnomAD no frequency). This variant has not been reported in the literature in individuals affected with LGI1-related conditions. Invitae Evidence Modeling of protein sequence and biophysical properties (such as structural, functional, and spatial information, amino acid conservation, physicochemical variation, residue mobility, and thermodynamic stability) indicates that this missense variant is not expected to disrupt LGI1 protein function with a negative predictive value of 80%. In summary, the available evidence is currently insufficient to determine the role of this variant in disease. Therefore, it has been classified as a Variant of Uncertain Significance.

NM_005097.4(LGI1):c.104A>G (p.Lys35Arg)

Gene: LGI1 (leucine rich glioma inactivated 1; plus strand). Cytogenetic location: 10q23.33.
Variant type: single nucleotide variant.
Coding change: c.104A>G on transcript NM_005097.4 (MANE Select); coding-DNA position 104, A replaced by G.
Protein change: p.Lys35Arg; replaces lysine 35 with arginine.
Molecular consequence: missense variant. On other transcripts: non-coding transcript variant (1).
Genome position (GRCh38, 1-based): chr10:93,758,248, A>G. VCF-style: chr10-93758248-A-G. GRCh37 (hg19) VCF-style: chr10-95518005-A-G.
Other names: c.104A>G, p.Lys35Arg (NM_001308275.2, NM_001308276.2); short protein forms K35R.
Identifiers: ClinVar variation 4739181 (VCV004739181.1).